The following is an entry in ClinVar:

NM_015338.6(ASXL1):c.2222A>T (p.Asp741Val)

Gene: ASXL1 (ASXL transcriptional regulator 1; plus strand). Cytogenetic location: 20q11.21.
Variant type: single nucleotide variant.
Coding change: c.2222A>T on transcript NM_015338.6 (MANE Select); coding-DNA position 2222, A replaced by T.
Protein change: p.Asp741Val; replaces aspartic acid 741 with valine.
Molecular consequence: missense variant.
Genome position (GRCh38, 1-based): chr20:32,434,934, A>T. VCF-style: chr20-32434934-A-T. GRCh37 (hg19) VCF-style: chr20-31022737-A-T.
Other names: c.2039A>T, p.Asp680Val (NM_001363734.1); short protein forms D680V, D741V.
Identifiers: ClinVar variation 1180868 (VCV001180868.15), dbSNP rs149971443, ClinGen allele CA9808570.

ClinVar aggregate classification (germline): Benign/Likely benign. Review status: criteria provided, multiple submitters, no conflicts (2 of 4 stars). 6 submissions from 6 submitters: Benign (3); Likely benign (2). 1 of the submissions does not count toward it. Last evaluated 2026-01-31.

Conditions:
Inborn genetic diseases. Identifiers: MedGen C0950123, MeSH D030342.
ASXL1-related disorder. Also called: ASXL1-related condition; ASXL1-related disorders.
Bohring-Opitz syndrome. Also called: ASXL1-Related Bohring-Opitz Syndrome; OPITZ TRIGONOCEPHALY-LIKE SYNDROME; C-LIKE SYNDROME; BOHRING SYNDROME. Identifiers: Orphanet 97297, MedGen C0796232, MONDO:0011510, OMIM 605039.

Allele frequency attached by ClinVar (database versions not stated): gnomAD exomes 0.00012 and 0.00034; ExAC 0.00040; ESP Exome Variant Server 0.00108; gnomAD 0.00117 and 0.00123; TOPMed 0.00143; 1000 Genomes Project 0.00180; 1000 Genomes Project 30x 0.00234.
gnomAD v4.1: 374 of 1,614,196 alleles (0.023%); highest among the groups gnomAD compares: African/African-American, 0.43%; no homozygotes.

Submissions (6):

Labcorp Genetics (formerly Invitae), Labcorp
Classification: Benign. Last evaluated: 2026-01-31. Review status: criteria provided, single submitter. Criteria: Invitae Variant Classification Sherloc (09022015). Collection method: clinical testing. Allele origin: germline.

Ambry Genetics
Classification: Likely benign for Inborn genetic diseases. Last evaluated: 2024-12-18. Review status: criteria provided, single submitter. Criteria: Ambry Variant Classification Scheme 2023. Collection method: clinical testing. Allele origin: germline.

Blueprint Genetics
Classification: Likely benign. Last evaluated: 2024-07-14. Review status: criteria provided, single submitter. Criteria: ACMG Guidelines, 2015. Collection method: clinical testing. Allele origin: germline.

Genome-Nilou Lab
Classification: Benign for Bohring-Opitz syndrome. Last evaluated: 2021-12-05. Review status: criteria provided, single submitter. Criteria: ACMG Guidelines, 2015. Collection method: clinical testing. Allele origin: germline. Affected: no.

GeneDx
Classification: Benign. Last evaluated: 2019-12-24. Review status: criteria provided, single submitter. Criteria: GeneDx Variant Classification Process June 2021. Collection method: clinical testing. Allele origin: germline. Affected: yes.

PreventionGenetics, part of Exact Sciences
Classification: Benign for ASXL1-related condition. Last evaluated: 2019-11-18. Review status: no assertion criteria provided. Collection method: clinical testing. Allele origin: germline. Not counted in ClinVar's aggregate classification.
Comment: This variant is classified as benign based on ACMG/AMP sequence variant interpretation guidelines (Richards et al. 2015 PMID: 25741868, with internal and published modifications).